The following is an entry in ClinVar:

NM_006231.4(POLE):c.6658-12G>C

Gene: POLE (DNA polymerase epsilon, catalytic subunit; minus strand). Cytogenetic location: 12q24.33.
Variant type: single nucleotide variant.
Coding change: c.6658-12G>C on transcript NM_006231.4 (MANE Select); 12 bases into the intron before coding-DNA position 6658, G replaced by C.
Molecular consequence: intron variant.
Genome position (GRCh38, 1-based): chr12:132,625,006, C>G on the plus strand (G>C on the coding strand, the complement: POLE is on the minus strand). VCF-style: chr12-132625006-C-G. GRCh37 (hg19) VCF-style: chr12-133201592-C-G.
Identifiers: ClinVar variation 510491 (VCV000510491.9), dbSNP rs1555300850, ClinGen allele CA658798009.

ClinVar aggregate classification (germline): Likely benign. Review status: criteria provided, multiple submitters, no conflicts (2 of 4 stars). 3 submissions from 3 submitters: Likely benign (2). 1 of the submissions does not count toward it. Last evaluated 2024-12-04.

Conditions:
Colorectal cancer, susceptibility to, 12 (CRCS12). Also called: COLORECTAL CANCER, SUSCEPTIBILITY TO, ON CHROMOSOME 12q24. Identifiers: Orphanet 220460, MedGen C3554460, MONDO:0014038, OMIM 615083.

Allele frequency attached by ClinVar (database versions not stated): gnomAD exomes below 0.00001.
gnomAD v4.1: 6 of 1,609,178 alleles (0.00037%); highest among the groups gnomAD compares: Non-Finnish European, 0.00043%; no homozygotes.

Submissions (3):

Labcorp Genetics (formerly Invitae), Labcorp
Classification: Likely benign. Last evaluated: 2024-12-04. Review status: criteria provided, single submitter. Criteria: Invitae Variant Classification Sherloc (09022015). Collection method: clinical testing. Allele origin: germline.

GeneDx
Classification: Likely benign. Last evaluated: 2017-06-30. Review status: criteria provided, single submitter. Criteria: GeneDx Variant Classification (06012015). Collection method: clinical testing. Allele origin: germline. Affected: yes.
Comment: This variant is considered likely benign or benign based on one or more of the following criteria: it is a conservative change, it occurs at a poorly conserved position in the protein, it is predicted to be benign by multiple in silico algorithms, and/or has population frequency not consistent with disease.

Counsyl
Classification: Likely benign for Colorectal cancer, susceptibility to, 12. Last evaluated: 2017-09-26. Review status: no assertion criteria provided. Collection method: clinical testing. Allele origin: unknown. Not counted in ClinVar's aggregate classification.